The following is an entry in ClinVar:

NM_032444.4(SLX4):c.4797C>T (p.Phe1599=)

Gene: SLX4 (SLX4 structure-specific endonuclease subunit; minus strand). Cytogenetic location: 16p13.3.
Variant type: single nucleotide variant.
Coding change: c.4797C>T on transcript NM_032444.4 (MANE Select); coding-DNA position 4797, C replaced by T.
Protein change: p.Phe1599=; no amino-acid change (phenylalanine 1599 retained).
Molecular consequence: synonymous variant.
Genome position (GRCh38, 1-based): chr16:3,583,453, G>A on the plus strand (C>T on the coding strand, the complement: SLX4 is on the minus strand). VCF-style: chr16-3583453-G-A. GRCh37 (hg19) VCF-style: chr16-3633454-G-A.
Identifiers: ClinVar variation 697233 (VCV000697233.8), dbSNP rs1159059195, ClinGen allele CA493390821.

ClinVar aggregate classification (germline): Likely benign. Review status: criteria provided, single submitter (1 of 4 stars). 2 submissions from 2 submitters: Likely benign (1). 1 of the submissions does not count toward it. Last evaluated 2025-02-23.

Conditions:
Fanconi anemia (FA). Also called: Fanconi's anemia. Identifiers: Orphanet 84, MedGen C0015625, MeSH D005199, MONDO:0019391.

Allele frequency attached by ClinVar (database versions not stated): gnomAD 0.00001; TOPMed 0.00001.
gnomAD v4.1: 9 of 1,614,056 alleles (0.00056%); highest among the groups gnomAD compares: Non-Finnish European, 0.00076%; no homozygotes.

Submissions (2):

Labcorp Genetics (formerly Invitae), Labcorp
Classification: Likely benign for Fanconi anemia. Last evaluated: 2025-02-23. Review status: criteria provided, single submitter. Criteria: Invitae Variant Classification Sherloc (09022015). Collection method: clinical testing. Allele origin: germline.

Leiden Open Variation Database
Classification: Likely benign. Last evaluated: 2012-08-31. Review status: no assertion criteria provided. Collection method: curation. Allele origin: germline. Affected: yes. Not counted in ClinVar's aggregate classification.
Comment: Curator: Arleen D. Auerbach. Submitter to LOVD: Janine Bakker.

Literature cited by the submitters: PubMed 22911665 (cited by Leiden Open Variation Database).